The following is an entry in ClinVar:

ClinVar aggregate classification (germline): Uncertain significance (0 of 4 stars; one submission).

Conditions:
CREBBP-related disorder. Also called: CREBBP-related condition; CREBBP-related disorders.

Submission:

PreventionGenetics, part of Exact Sciences
Classification: Uncertain significance for CREBBP-related condition. Last evaluated: 2024-04-10. Review status: no assertion criteria provided. Collection method: clinical testing. Allele origin: germline.
Comment: The CREBBP c.1116A>T variant is predicted to result in the amino acid substitution p.Gln372His. To our knowledge, this variant has not been reported in the literature or in a large population database, indicating this variant is rare. At this time, the clinical significance of this variant is uncertain due to the absence of conclusive functional and genetic evidence.

NM_004380.3(CREBBP):c.1116A>T (p.Gln372His)

Gene: CREBBP (CREB binding lysine acetyltransferase; minus strand). Cytogenetic location: 16p13.3.
Variant type: single nucleotide variant.
Coding change: c.1116A>T on transcript NM_004380.3 (MANE Select); coding-DNA position 1116, A replaced by T.
Protein change: p.Gln372His; replaces glutamine 372 with histidine.
Molecular consequence: missense variant.
Genome position (GRCh38, 1-based): chr16:3,793,486, T>A on the plus strand (A>T on the coding strand, the complement: CREBBP is on the minus strand). VCF-style: chr16-3793486-T-A. GRCh37 (hg19) VCF-style: chr16-3843487-T-A.
Other names: c.1116A>T, p.Gln372His (NM_001079846.1); short protein forms Q372H.
Identifiers: ClinVar variation 3346560 (VCV003346560.1).